The following is an entry in ClinVar:

NM_006767.4(LZTR1):c.190G>C (p.Val64Leu)

Gene: LZTR1 (leucine zipper like post translational regulator 1; plus strand). Cytogenetic location: 22q11.21.
Variant type: single nucleotide variant.
Coding change: c.190G>C on transcript NM_006767.4 (MANE Select); coding-DNA position 190, G replaced by C.
Protein change: p.Val64Leu; replaces valine 64 with leucine.
Molecular consequence: missense variant.
Genome position (GRCh38, 1-based): chr22:20,982,561, G>C. VCF-style: chr22-20982561-G-C. GRCh37 (hg19) VCF-style: chr22-21336850-G-C.
Other names: short protein forms V64L.
Identifiers: ClinVar variation 3368105 (VCV003368105.1).

ClinVar aggregate classification (germline): Uncertain significance (1 of 4 stars; one submission).

Submission:

GeneDx
Classification: Uncertain significance. Last evaluated: 2024-01-24. Review status: criteria provided, single submitter. Criteria: GeneDx Variant Classification Process June 2021. Collection method: clinical testing. Allele origin: germline. Affected: yes.
Comment: Not observed at significant frequency in large population cohorts (gnomAD); In silico analysis supports that this missense variant does not alter protein structure/function; Has not been previously published as pathogenic or benign to our knowledge